The following is an entry in ClinVar:

NM_005337.5(NCKAP1L):c.2815C>T (p.Pro939Ser)

Gene: NCKAP1L (NCK associated protein 1 like; plus strand). Cytogenetic location: 12q13.2.
Variant type: single nucleotide variant.
Coding change: c.2815C>T on transcript NM_005337.5 (MANE Select); coding-DNA position 2815, C replaced by T.
Protein change: p.Pro939Ser; replaces proline 939 with serine.
Molecular consequence: missense variant.
Genome position (GRCh38, 1-based): chr12:54,532,203, C>T. VCF-style: chr12-54532203-C-T. GRCh37 (hg19) VCF-style: chr12-54925987-C-T.
Other names: c.2665C>T, p.Pro889Ser (NM_001184976.2); short protein forms P889S, P939S.
Identifiers: ClinVar variation 2054335 (VCV002054335.5), dbSNP rs141526896, ClinGen allele CA6609551.

ClinVar aggregate classification (germline): Benign/Likely benign. Review status: criteria provided, multiple submitters, no conflicts (2 of 4 stars). 2 submissions from 2 submitters: Benign (1); Likely benign (1). Last evaluated 2026-01-04.

Allele frequency attached by ClinVar (database versions not stated): gnomAD 0.00070; gnomAD exomes 0.00078; TOPMed 0.00091; ExAC 0.00122; ESP Exome Variant Server 0.00138.
gnomAD v4.1: 1,286 of 1,613,126 alleles (0.08%); highest among the groups gnomAD compares: Admixed American, 0.15%; 7 homozygotes.

Submissions (2):

Labcorp Genetics (formerly Invitae), Labcorp
Classification: Benign. Last evaluated: 2026-01-04. Review status: criteria provided, single submitter. Criteria: Invitae Variant Classification Sherloc (09022015). Collection method: clinical testing. Allele origin: germline.

Women's Health and Genetics/Laboratory Corporation of America, LabCorp
Classification: Likely benign. Last evaluated: 2025-09-30. Review status: criteria provided, single submitter. Criteria: LabCorp Variant Classification Summary - May 2015. Collection method: clinical testing. Allele origin: germline.
Comment: Variant summary: NCKAP1L c.2815C>T (p.Pro939Ser) results in a non-conservative amino acid change in the encoded protein sequence. Algorithms developed to predict the effect of missense changes on protein structure and function are either unavailable or do not agree on the potential impact of this missense change. The variant allele was found at a frequency of 0.0011 in 251046 control chromosomes, predominantly at a frequency of 0.0021 within the Latino subpopulation in the gnomAD database, including 1 homozygotes. The observed variant frequency within Latino control individuals in the gnomAD database exceeds the estimated maximal expected allele frequency for disease-causing variants in NCKAP1L. To our knowledge, no occurrence of c.2815C>T in individuals affected with NCKAP1L-related conditions and no experimental evidence demonstrating its impact on protein function have been reported. ClinVar contains an entry for this variant (Variation ID: 2054335). Based on the evidence outlined above, the variant was classified as likely benign.